The following is an entry in ClinVar:

NM_000845.3(GRM8):c.2157C>G (p.Pro719=)

Gene: GRM8 (glutamate metabotropic receptor 8; minus strand). Cytogenetic location: 7q31.33.
Variant type: single nucleotide variant.
Coding change: c.2157C>G on transcript NM_000845.3 (MANE Select); coding-DNA position 2157, C replaced by G.
Protein change: p.Pro719=; no amino-acid change (proline 719 retained).
Molecular consequence: synonymous variant. On other transcripts: non-coding transcript variant (3).
Genome position (GRCh38, 1-based): chr7:126,533,225, G>C on the plus strand (C>G on the coding strand, the complement: GRM8 is on the minus strand). VCF-style: chr7-126533225-G-C. GRCh37 (hg19) VCF-style: chr7-126173279-G-C.
Other names: c.2157C>G, p.Pro719= (NM_001127323.1, NM_001371083.1, NM_001371084.1 and 2 more transcripts); c.*722C>G (NM_001127326.1); c.1542C>G, p.Pro514= (NM_001371087.1).
Identifiers: ClinVar variation 3033409 (VCV003033409.2), dbSNP rs769201, ClinGen allele CA4465708.

ClinVar aggregate classification (germline): Likely benign (0 of 4 stars; one submission).

Conditions:
GRM8-related disorder. Also called: GRM8-related condition.

Allele frequency attached by ClinVar (database versions not stated): ExAC 0.00001.
gnomAD v4.1: 7 of 1,613,172 alleles (0.00043%); highest among the groups gnomAD compares: Admixed American, 0.0033%; no homozygotes.

Submission:

PreventionGenetics, part of Exact Sciences
Classification: Likely benign for GRM8-related condition. Last evaluated: 2019-06-12. Review status: no assertion criteria provided. Collection method: clinical testing. Allele origin: germline.
Comment: This variant is classified as likely benign based on ACMG/AMP sequence variant interpretation guidelines (Richards et al. 2015 PMID: 25741868, with internal and published modifications).